The following is an entry in ClinVar:

ClinVar aggregate classification (germline): Uncertain significance. Review status: criteria provided, multiple submitters, no conflicts (2 of 4 stars). 4 submissions from 4 submitters: Uncertain significance (4). Last evaluated 2024-05-21.

Conditions:
Microvascular complications of diabetes, susceptibility to, 3. Identifiers: MedGen C2675470, MONDO:0012963, OMIM 612624.
Hemorrhage, intracerebral, susceptibility to (ICH). Also called: Stroke, hemorrhagic, susceptibility to. Identifiers: MedGen C3281105, MONDO:0100533, OMIM 614519.
Renal tubular dysgenesis of genetic origin. Also called: PRIMITIVE RENAL TUBULE SYNDROME. Identifiers: Orphanet 97369, MedGen C5681536, MONDO:0009970, OMIM 267430.
Renal tubular dysgenesis. Also called: Renotubular dysgenesis. Identifiers: Orphanet 3033, MedGen C0266313, MONDO:0017609, HP:0008660.

Allele frequency attached by ClinVar (database versions not stated): gnomAD exomes 0.00006 and 0.00013; gnomAD 0.00007 and 0.00009; TOPMed 0.00008; ExAC 0.00009; 1000 Genomes Project 0.00020; 1000 Genomes Project 30x 0.00031.
gnomAD v4.1: 205 of 1,611,150 alleles (0.013%); highest among the groups gnomAD compares: Middle Eastern, 0.038%; no homozygotes.

Submissions (4):

Fulgent Genetics
Classification: Uncertain significance for Renal tubular dysgenesis of genetic origin; Microvascular complications of diabetes, susceptibility to, 3; Hemorrhage, intracerebral, susceptibility to. Last evaluated: 2024-05-21. Review status: criteria provided, single submitter. Criteria: ACMG Guidelines, 2015. Collection method: clinical testing. Allele origin: germline.

Labcorp Genetics (formerly Invitae), Labcorp
Classification: Uncertain significance. Last evaluated: 2023-08-01. Review status: criteria provided, single submitter. Criteria: Invitae Variant Classification Sherloc (09022015). Collection method: clinical testing. Allele origin: germline.
Comment: This sequence change replaces glycine, which is neutral and non-polar, with serine, which is neutral and polar, at codon 639 of the ACE protein (p.Gly639Ser). This variant is present in population databases (rs72845024, gnomAD 0.01%). In summary, the available evidence is currently insufficient to determine the role of this variant in disease. Therefore, it has been classified as a Variant of Uncertain Significance. Advanced modeling of protein sequence and biophysical properties (such as structural, functional, and spatial information, amino acid conservation, physicochemical variation, residue mobility, and thermodynamic stability) performed at Invitae indicates that this missense variant is not expected to disrupt ACE protein function. This variant has not been reported in the literature in individuals affected with ACE-related conditions. ClinVar contains an entry for this variant (Variation ID: 324389).

Illumina Laboratory Services, Illumina
Classification: Uncertain significance for Renal tubular dysgenesis of genetic origin. Last evaluated: 2018-01-13. Review status: criteria provided, single submitter. Criteria: ICSL Variant Classification Criteria 13 December 2019. Collection method: clinical testing. Allele origin: germline.

Breakthrough Genomics
Classification: Uncertain significance. Review status: criteria provided, single submitter. Criteria: ACMG Guidelines, 2015. Collection method: not provided. Allele origin: germline. Inheritance: Autosomal recessive inheritance. Affected: yes.

NM_000789.4(ACE):c.1915G>A (p.Gly639Ser)

Gene: ACE (angiotensin I converting enzyme; plus strand). Cytogenetic location: 17q23.3.
Variant type: single nucleotide variant.
Coding change: c.1915G>A on transcript NM_000789.4 (MANE Select); coding-DNA position 1915, G replaced by A.
Protein change: p.Gly639Ser; replaces glycine 639 with serine.
Molecular consequence: missense variant.
Genome position (GRCh38, 1-based): chr17:63,484,535, G>A. VCF-style: chr17-63484535-G-A. GRCh37 (hg19) VCF-style: chr17-61561896-G-A.
Other names: short protein forms G639S.
Identifiers: ClinVar variation 324389 (VCV000324389.13), dbSNP rs72845024, ClinGen allele CA8699730.